The following is an entry in ClinVar:

NM_152866.3(MS4A1):c.*5T>C

Gene: MS4A1 (membrane spanning 4-domains A1; plus strand). Cytogenetic location: 11q12.2.
Variant type: single nucleotide variant.
Coding change: c.*5T>C on transcript NM_152866.3 (MANE Select); 5 bases downstream of the stop codon, T replaced by C.
Molecular consequence: 3 prime UTR variant.
Genome position (GRCh38, 1-based): chr11:60,468,473, T>C. VCF-style: chr11-60468473-T-C. GRCh37 (hg19) VCF-style: chr11-60235946-T-C.
Other names: c.*5T>C (NM_021950.4, NM_152867.2).
Identifiers: ClinVar variation 3036566 (VCV003036566.2), dbSNP rs200077365, ClinGen allele CA6025102.

ClinVar aggregate classification (germline): Likely benign (0 of 4 stars; one submission).

Conditions:
MS4A1-related disorder. Also called: MS4A1-related condition.

Allele frequency attached by ClinVar (database versions not stated): ExAC 0.00010; ESP Exome Variant Server 0.00015; TOPMed 0.00016; gnomAD 0.00018; gnomAD exomes 0.00027.
gnomAD v4.1: 426 of 1,612,012 alleles (0.026%); highest among the groups gnomAD compares: Non-Finnish European, 0.033%; no homozygotes.

Submission:

PreventionGenetics, part of Exact Sciences
Classification: Likely benign for MS4A1-related condition. Last evaluated: 2022-04-14. Review status: no assertion criteria provided. Collection method: clinical testing. Allele origin: germline.
Comment: This variant is classified as likely benign based on ACMG/AMP sequence variant interpretation guidelines (Richards et al. 2015 PMID: 25741868, with internal and published modifications).